The following is an entry in ClinVar:

NM_170606.3(KMT2C):c.9227T>A (p.Ile3076Asn)

Gene: KMT2C (lysine methyltransferase 2C; minus strand). Cytogenetic location: 7q36.1.
Variant type: single nucleotide variant.
Coding change: c.9227T>A on transcript NM_170606.3 (MANE Select); coding-DNA position 9227, T replaced by A.
Protein change: p.Ile3076Asn; replaces isoleucine 3076 with asparagine.
Molecular consequence: missense variant.
Genome position (GRCh38, 1-based): chr7:152,176,226, A>T on the plus strand (T>A on the coding strand, the complement: KMT2C is on the minus strand). VCF-style: chr7-152176226-A-T. GRCh37 (hg19) VCF-style: chr7-151873311-A-T.
Other names: short protein forms I3076N.
Identifiers: ClinVar variation 3371338 (VCV003371338.2).
Genomic context (GRCh38, chr7:152,176,226, plus strand): 5'-CGTTGAGACTCAAGAAAACTCCTACCAATATTAGGGAAGAACGGTTCTGATCGCTGACGA[A>T]TCATGGCTTGCATCTGTCTTTGCTGCTGCTGTTCTTGCCTTTCTTGATCCAAAAGATCCT-3'
Protein context (NP_733751.2, residues 3066-3086): QQQQRQMQAM[Ile3076Asn]RQRSEPFFPN

ClinVar aggregate classification (germline): Uncertain significance (1 of 4 stars; one submission).

Submission:

GeneDx
Classification: Uncertain significance. Last evaluated: 2024-12-29. Review status: criteria provided, single submitter. Criteria: GeneDx Variant Classification Process June 2021. Collection method: clinical testing. Allele origin: germline. Affected: yes.
Comment: Not observed at significant frequency in large population cohorts (gnomAD); In silico analysis supports that this missense variant has a deleterious effect on protein structure/function; Has not been previously published as pathogenic or benign to our knowledge